The following is an entry in ClinVar:

ClinVar aggregate classification (germline): Uncertain significance. Review status: criteria provided, multiple submitters, no conflicts (2 of 4 stars). 3 submissions from 3 submitters: Uncertain significance (3). Last evaluated 2025-08-01.

Conditions:
Autosomal recessive early-onset Parkinson disease 6 (PARK6). Also called: PINK1-Related Parkinson Disease; PINK1 Type of Young-Onset Parkinson Disease; PARKINSON DISEASE 6, MODIFIER OF; PARKINSON DISEASE 6, EARLY-ONSET. Identifiers: Orphanet 2828, MedGen C1853833, MONDO:0011613, OMIM 605909.

Allele frequency attached by ClinVar (database versions not stated): ESP Exome Variant Server 0.00008.

Submissions (3):

CeGaT Center for Human Genetics Tuebingen
Classification: Uncertain significance. Last evaluated: 2025-08-01. Review status: criteria provided, single submitter. Criteria: CeGaT Center For Human Genetics Tuebingen Variant Classification Criteria Version 2. Collection method: clinical testing. Allele origin: germline. Affected: yes. Observed: 1 variant allele.
Comment: PINK1: PM2, PP3

GeneDx
Classification: Uncertain significance. Last evaluated: 2025-06-07. Review status: criteria provided, single submitter. Criteria: GeneDx Variant Classification Process June 2021. Collection method: clinical testing. Allele origin: germline. Affected: yes.
Comment: In silico analysis supports that this missense variant has a deleterious effect on protein structure/function; Has not been previously published as pathogenic or benign to our knowledge

Labcorp Genetics (formerly Invitae), Labcorp
Classification: Uncertain significance for Autosomal recessive early-onset Parkinson disease 6. Last evaluated: 2020-11-28. Review status: criteria provided, single submitter. Criteria: Invitae Variant Classification Sherloc (09022015). Collection method: clinical testing. Allele origin: germline.
Comment: This variant has not been reported in the literature in individuals with PINK1-related conditions. This sequence change replaces proline with arginine at codon 215 of the PINK1 protein (p.Pro215Arg). The proline residue is highly conserved and there is a moderate physicochemical difference between proline and arginine. This variant is present in population databases (rs371854396, ExAC 0.003%). Algorithms developed to predict the effect of missense changes on protein structure and function are either unavailable or do not agree on the potential impact of this missense change (SIFT: "Tolerated"; PolyPhen-2: "Probably Damaging"; Align-GVGD: "Class C0"). In summary, the available evidence is currently insufficient to determine the role of this variant in disease. Therefore, it has been classified as a Variant of Uncertain Significance.

NM_032409.3(PINK1):c.644C>G (p.Pro215Arg)

Gene: PINK1 (PTEN induced kinase 1; plus strand). Cytogenetic location: 1p36.12.
Variant type: single nucleotide variant.
Coding change: c.644C>G on transcript NM_032409.3 (MANE Select); coding-DNA position 644, C replaced by G.
Protein change: p.Pro215Arg; replaces proline 215 with arginine.
Molecular consequence: missense variant.
Genome position (GRCh38, 1-based): chr1:20,638,098, C>G. VCF-style: chr1-20638098-C-G. GRCh37 (hg19) VCF-style: chr1-20964591-C-G.
Other names: c.644C>G (NM_032409.2); short protein forms P215R.
Identifiers: ClinVar variation 1400880 (VCV001400880.16), dbSNP rs371854396, ClinGen allele CA660474.